The following continues an entry in ClinVar:

NM_145239.3(PRRT2):c.649dup (p.Arg217fs)

ClinVar aggregate classification (germline): Pathogenic/Likely pathogenic. Pathogenic (76); Likely pathogenic (3).

Submissions 52 to 75 of 96:

Institute of Human Genetics, University of Leipzig Medical Center
Classification: Pathogenic for PRRT2 insufficiency. Last evaluated: 2020-03-01. Review status: criteria provided, single submitter. Criteria: ACMG Guidelines, 2015. Collection method: clinical testing. Allele origin: biparental. Inheritance: Autosomal recessive inheritance. Affected: yes.
Comment: Review of the variants reported in Reuter et al., 2017, PMID: 28097321: PVS1,PM2, PM3; observed in two families

HudsonAlpha Institute for Biotechnology
Classification: Pathogenic for Infantile convulsions and choreoathetosis. Last evaluated: 2019-11-13. Review status: criteria provided, single submitter. Criteria: ACMG Guidelines, 2015. Collection method: research. Allele origin: unknown. Affected: yes. Observed: 1 variant allele. Study: CSER-SouthSeq.
Comment: ACMG codes: PVS1, PM1, PP1, PP5

Molecular Diagnostics Laboratory, M Health Fairview: University of Minnesota
Classification: Pathogenic for Paroxysmal nonkinesigenic dyskinesia 1. Last evaluated: 2019-06-17. Review status: criteria provided, single submitter. Criteria: ACMG Guidelines, 2015. Collection method: clinical testing. Allele origin: germline. Affected: yes. Observed: 3 variant alleles.

Mendelics
Classification: Pathogenic for Episodic kinesigenic dyskinesia 1. Last evaluated: 2019-05-28. Review status: criteria provided, single submitter. Criteria: Mendelics Assertion Criteria 2017. Collection method: clinical testing. Allele origin: unknown.

Genomic Medicine Lab, University of California San Francisco
Classification: Pathogenic for Infantile convulsions and choreoathetosis. Last evaluated: 2018-09-06. Review status: criteria provided, single submitter. Criteria: ACMG Guidelines, 2015. Collection method: clinical testing. Allele origin: maternal. Inheritance: Autosomal dominant inheritance. Affected: yes. Study: CSER.

Center for Genomics, Ann and Robert H. Lurie Children's Hospital of Chicago
Classification: Pathogenic for Infantile convulsions and choreoathetosis; Episodic kinesigenic dyskinesia 1; Seizures, benign familial infantile, 2. Last evaluated: 2018-07-23. Review status: criteria provided, single submitter. Criteria: ACMG Guidelines, 2015. Collection method: clinical testing. Allele origin: germline.
Comment: PRRT2 NM_145239.2 exon 2 p.Arg217Profs*8 (c.649dupC): This variant has been well reported in the literature (including an entry in GeneReviews) and has been identified in several individuals with a variety of presentations, most commonly, benign familial infantile epilepsy, infantile convulsions/choreoathetosis, and paroxysmal kinesigenic dyskinesia, segregating with disease in several affected family members (Chen 2011 PMID:22101681, Dale 2012 PMID:22845787, Heron 2012 PMID:22243967, Castiglioni 2013 PMID:23182655, He 2014 PMID:25522171, Ebrahimi-Fakhari 2015 PMID:26598493, Ebrahimi-Fakhari 2018 PMID:29334453). In addition, a review article suggests that this variant may account for 78.5% of the reported cases in the literature (Ebrahimi-Fakhari 2015 PMID:26598493). This variant is present in 8/29718 alleles in the Genome Aggregation Database. Please note, disease causing variants may be present in control databases at low frequencies, reflective of the general population and/or variable expressivity. This variant is present in ClinVar, with several labs classifying this variant as pathogenic (Variation ID:65758). Evolutionary conservation and computational predictive tools for this variant are limited or unavailable. This variant represents an addition of 1 nucleotide within a string of cytosines at position 649 and creates a premature stop codon 8 amino acids downstream from this location, which results in an absent or abnormal protein. Loss of function variants are a known mechanism of disease for this gene (Ebrahimi-Fakhari 2015 PMID:26598493). In summary, this variant is classified as pathogenic .

Cytogénomique, Hospices Civils de Lyon
Classification: Pathogenic for Episodic kinesigenic dyskinesia 1. Last evaluated: 2018-03-02. Review status: criteria provided, single submitter. Criteria: ACMG Guidelines, 2015. Collection method: clinical testing. Allele origin: unknown. Inheritance: Autosomal dominant inheritance. Affected: yes.

NeuroMeGen, Hospital Clinico Santiago de Compostela
Classification: Likely pathogenic for Seizures, benign familial infantile, 2. Last evaluated: 2018-01-01. Review status: criteria provided, single submitter. Criteria: ACMG Guidelines, 2015. Collection method: clinical testing. Allele origin: unknown. Affected: yes. Observed: 2 heterozygotes.

Center for Pediatric Genomic Medicine, Children's Mercy Hospital and Clinics
Classification: Pathogenic. Last evaluated: 2014-10-23. Review status: criteria provided, single submitter. Criteria: ACMG Guidelines, 2015. Collection method: clinical testing. Allele origin: germline.

Genetic Services Laboratory, University of Chicago
Classification: Pathogenic for HP:0001250. Last evaluated: 2014-06-05. Review status: criteria provided, single submitter. Criteria: ACMG Guidelines, 2015. Collection method: clinical testing. Allele origin: germline. Affected: yes.

Eurofins Ntd Llc (ga)
Classification: Pathogenic. Last evaluated: 2014-04-29. Review status: criteria provided, single submitter. Criteria: EGL Classification Definitions. Collection method: clinical testing. Allele origin: germline. Observed: 6 variant alleles, 6 heterozygotes.

CENTOGENE GmbH and LLC - Guiding Precision Medicine
Classification: Pathogenic for Seizures, benign familial infantile, 2. Review status: criteria provided, single submitter. Criteria: ACMG Guidelines, 2015. Collection method: clinical testing. Allele origin: germline. Affected: yes.

Centre de Biologie Pathologie Génétique, Centre Hospitalier Universitaire de Lille
Classification: Pathogenic for Neurodevelopmental delay. Review status: criteria provided, single submitter. Criteria: ACMG Guidelines, 2015. Collection method: clinical testing. Allele origin: unknown. Affected: yes.

Clinical Genetics Service, Universitary Hospital 12 de Octubre
Classification: Pathogenic for Seizures, benign familial infantile, 2. Review status: criteria provided, single submitter. Criteria: ACMG Guidelines, 2015. Collection method: clinical testing. Allele origin: maternal. Affected: yes.

Cytogénomique, Hospices Civils de Lyon
Classification: Pathogenic for Seizures, benign familial infantile, 2. Review status: criteria provided, single submitter. Criteria: ACMG Guidelines, 2015. Collection method: clinical testing. Allele origin: unknown. Inheritance: Autosomal dominant inheritance. Affected: yes.

Cytogénomique, Hospices Civils de Lyon
Classification: Pathogenic for Infantile convulsions and choreoathetosis. Review status: criteria provided, single submitter. Criteria: ACMG Guidelines, 2015. Collection method: clinical testing. Allele origin: maternal. Inheritance: Autosomal dominant inheritance. Affected: yes.

Equipe Genetique des Anomalies du Developpement, Université de Bourgogne
Classification: Likely pathogenic for Seizures, benign familial infantile, 2. Review status: criteria provided, single submitter. Criteria: ACMG Guidelines, 2015. Collection method: clinical testing. Allele origin: paternal. Affected: yes.

Equipe Genetique des Anomalies du Developpement, Université de Bourgogne
Classification: Likely pathogenic for Seizure. Review status: criteria provided, single submitter. Criteria: ACMG Guidelines, 2015. Collection method: clinical testing. Allele origin: inherited. Affected: yes.

Equipe Genetique des Anomalies du Developpement, Université de Bourgogne
Classification: Pathogenic for Episodic kinesigenic dyskinesia 1. Review status: criteria provided, single submitter. Criteria: ACMG Guidelines, 2015. Collection method: clinical testing. Allele origin: unknown. Affected: yes.

Imagene.me medical diagnostic laboratory, IMAGENE.ME SA
Classification: Pathogenic for Seizures, benign familial infantile, 2. Review status: criteria provided, single submitter. Criteria: IMAGENE.ME Variant Classification SOP 2022. Collection method: clinical testing. Allele origin: germline. Affected: yes.
Comment: Classified according to the IMAGENE.ME variant classification SOP based on the ACMG guidelines as Pathogenic (P): PVS1 + PP1_Strong + PP5 + PP4 + BS1

Institute of Human Genetics, University Hospital of Duesseldorf
Classification: Pathogenic for Episodic kinesigenic dyskinesia 1. Review status: criteria provided, single submitter. Criteria: ACMG Guidelines, 2015. Collection method: not provided. Allele origin: germline. Inheritance: Autosomal dominant inheritance. Affected: yes.

Institute of Human Genetics, University Hospital of Duesseldorf
Classification: Pathogenic for Infantile convulsions and choreoathetosis. Review status: criteria provided, single submitter. Criteria: ACMG Guidelines, 2015. Collection method: not provided. Allele origin: germline. Inheritance: Autosomal dominant inheritance. Affected: yes.

Juno Genomics, Hangzhou Juno Genomics, Inc
Classification: Pathogenic for Infantile convulsions and choreoathetosis; Episodic kinesigenic dyskinesia 1; Seizures, benign familial infantile, 2. Review status: criteria provided, single submitter. Criteria: ACMG Guidelines, 2015. Collection method: clinical testing. Allele origin: germline. Affected: yes.
Comment: Absent from controls (or at extremely low frequency if recessive) in Genome Aggregation Database.;Null variant in a gene where loss of function (LOF) is a known mechanism of disease.;The prevalence of the variant in affected individuals is significantly increased compared to the prevalence in controls.;Co-segregation with disease in multiple affected family members.

Kasturba Medical College, Manipal, Kasturba Medical College, Manipal, Manipal Academy of Higher Education, Manipal, India
Classification: Pathogenic for Infantile convulsions and choreoathetosis. Review status: criteria provided, single submitter. Criteria: ACMG Guidelines, 2015. Collection method: clinical testing. Allele origin: paternal. Affected: yes. Observed: 1 variant allele.